The following is an entry in ClinVar:

NM_032790.4(ORAI1):c.574G>T (p.Val192Leu)

Gene: ORAI1 (ORAI calcium release-activated calcium modulator 1; plus strand). Cytogenetic location: 12q24.31.
Variant type: single nucleotide variant.
Coding change: c.574G>T on transcript NM_032790.4 (MANE Select); coding-DNA position 574, G replaced by T.
Protein change: p.Val192Leu; replaces valine 192 with leucine.
Molecular consequence: missense variant. On other transcripts: non-coding transcript variant (1).
Genome position (GRCh38, 1-based): chr12:121,641,311, G>T. VCF-style: chr12-121641311-G-T. GRCh37 (hg19) VCF-style: chr12-122079217-G-T.
Other names: short protein forms V192L.
Identifiers: ClinVar variation 2933860 (VCV002933860.3), dbSNP rs1893055980, ClinGen allele CA386983705.

ClinVar aggregate classification (germline): Uncertain significance (1 of 4 stars; one submission).

Conditions:
Combined immunodeficiency due to ORAI1 deficiency. Also called: IMMUNODEFICIENCY 9. Identifiers: Orphanet 169090, Orphanet 317428, MedGen C2748568, MONDO:0013007, OMIM 612782.
Myopathy, tubular aggregate, 2 (TAM2). Identifiers: MedGen C4014557, MONDO:0014383, OMIM 615883.

Allele frequency attached by ClinVar (database versions not stated): gnomAD exomes below 0.00001; TOPMed below 0.00001.

Submission:

Labcorp Genetics (formerly Invitae), Labcorp
Classification: Uncertain significance for Myopathy, tubular aggregate, 2; Combined immunodeficiency due to ORAI1 deficiency. Last evaluated: 2023-06-30. Review status: criteria provided, single submitter. Criteria: Invitae Variant Classification Sherloc (09022015). Collection method: clinical testing. Allele origin: germline.
Comment: In summary, the available evidence is currently insufficient to determine the role of this variant in disease. Therefore, it has been classified as a Variant of Uncertain Significance. Experimental studies and prediction algorithms are not available or were not evaluated, and the functional significance of this variant is currently unknown. This variant has not been reported in the literature in individuals affected with ORAI1-related conditions. This variant is not present in population databases (gnomAD no frequency). This sequence change replaces valine, which is neutral and non-polar, with leucine, which is neutral and non-polar, at codon 192 of the ORAI1 protein (p.Val192Leu).